The following is an entry in ClinVar:

NM_006031.6(PCNT):c.2415C>G (p.Ala805=)

Gene: PCNT (pericentrin; plus strand). Cytogenetic location: 21q22.3.
Variant type: single nucleotide variant.
Coding change: c.2415C>G on transcript NM_006031.6 (MANE Select); coding-DNA position 2415, C replaced by G.
Protein change: p.Ala805=; no amino-acid change (alanine 805 retained).
Molecular consequence: synonymous variant.
Genome position (GRCh38, 1-based): chr21:46,363,740, C>G. VCF-style: chr21-46363740-C-G. GRCh37 (hg19) VCF-style: chr21-47783655-C-G.
Other names: p.A805A:GCC>GCG; c.2061C>G, p.Ala687= (NM_001315529.2).
Identifiers: ClinVar variation 138616 (VCV000138616.17), dbSNP rs61407822, ClinGen allele CA172979.

ClinVar aggregate classification (germline): Benign. Review status: criteria provided, multiple submitters, no conflicts (2 of 4 stars). 5 submissions from 5 submitters: Benign (5). Last evaluated 2026-02-04.

Conditions:
Microcephalic osteodysplastic primordial dwarfism type II (MOPD2). Also called: Microcephalic osteodysplastic primordial dwarfism with tooth abnormalities; OSTEODYSPLASTIC PRIMORDIAL DWARFISM, TYPE II; MOPD II. Identifiers: Orphanet 2637, MedGen C0432246, MONDO:0008872, OMIM 210720.

Allele frequency attached by ClinVar (database versions not stated): gnomAD exomes 0.02569 and 0.04977; ExAC 0.05733; gnomAD 0.12986 and 0.13635; TOPMed 0.14286; ESP Exome Variant Server 0.14447; 1000 Genomes Project 0.15475; 1000 Genomes Project 30x 0.16240.
gnomAD v4.1: 58,358 of 1,614,106 alleles (3.6%); highest among the groups gnomAD compares: African/African-American, 42%; 7,168 homozygotes.

Submissions (5):

Labcorp Genetics (formerly Invitae), Labcorp
Classification: Benign. Last evaluated: 2026-02-04. Review status: criteria provided, single submitter. Criteria: Invitae Variant Classification Sherloc (09022015). Collection method: clinical testing. Allele origin: germline.

Illumina Laboratory Services, Illumina
Classification: Benign for Microcephalic osteodysplastic primordial dwarfism type II. Last evaluated: 2018-01-12. Review status: criteria provided, single submitter. Criteria: ICSL Variant Classification Criteria 13 December 2019. Collection method: clinical testing. Allele origin: germline.
Comment: This variant was observed in the ICSL laboratory as part of a predisposition screen in an ostensibly healthy population. It had not been previously curated by ICSL or reported in the Human Gene Mutation Database (HGMD: prior to June 1st, 2018), and was therefore a candidate for classification through an automated scoring system. Utilizing variant allele frequency, disease prevalence and penetrance estimates, and inheritance mode, an automated score was calculated to assess if this variant is too frequent to cause the disease. Based on the score and internal cut-off values, a variant classified as benign is not then subjected to further curation. The score for this variant resulted in a classification of benign for this disease.

GeneDx
Classification: Benign. Last evaluated: 2014-02-26. Review status: criteria provided, single submitter. Criteria: GeneDx Variant Classification (06012015). Collection method: clinical testing. Allele origin: germline. Affected: yes.
Comment: This variant is considered likely benign or benign based on one or more of the following criteria: it is a conservative change, it occurs at a poorly conserved position in the protein, it is predicted to be benign by multiple in silico algorithms, and/or has population frequency not consistent with disease.

Genetic Services Laboratory, University of Chicago
Classification: Benign. Last evaluated: 2013-02-08. Review status: criteria provided, single submitter. Criteria: ACMG Guidelines, 2007. Collection method: clinical testing. Allele origin: germline. Inheritance: Autosomal recessive inheritance.

Breakthrough Genomics
Classification: Benign. Review status: criteria provided, single submitter. Criteria: ACMG Guidelines, 2015. Collection method: not provided. Allele origin: germline. Inheritance: Autosomal recessive inheritance. Affected: yes.